The following is an entry in ClinVar:

NM_006231.4(POLE):c.1106+9G>C

Gene: POLE (DNA polymerase epsilon, catalytic subunit; minus strand). Cytogenetic location: 12q24.33.
Variant type: single nucleotide variant.
Coding change: c.1106+9G>C on transcript NM_006231.4 (MANE Select); 9 bases into the intron after coding-DNA position 1106, G replaced by C.
Molecular consequence: intron variant.
Genome position (GRCh38, 1-based): chr12:132,675,726, C>G on the plus strand (G>C on the coding strand, the complement: POLE is on the minus strand). VCF-style: chr12-132675726-C-G. GRCh37 (hg19) VCF-style: chr12-133252312-C-G.
Identifiers: ClinVar variation 413554 (VCV000413554.13), dbSNP rs746392495, ClinGen allele CA16614019.
Genomic context (GRCh38, chr12:132,675,726, plus strand): 5'-CCCCTGCACCACGCAACGCCCTCCCTCTCAAATGCTGCCCAGTTACTCATAGAGAAGACA[C>G]AGACTCACCAGTCAAAAAAGTCCCCGTTGTAGGTGACCATGATGGTGGGTTTGGTCTCCT-3'

ClinVar aggregate classification (germline): Conflicting classifications of pathogenicity. Review status: criteria provided, conflicting classifications (1 of 4 stars). 3 submissions from 3 submitters: Uncertain significance (1); Likely benign (2). Last evaluated 2025-10-17.

Conditions:
Colorectal cancer, susceptibility to, 12 (CRCS12). Also called: COLORECTAL CANCER, SUSCEPTIBILITY TO, ON CHROMOSOME 12q24. Identifiers: Orphanet 220460, MedGen C3554460, MONDO:0014038, OMIM 615083.

gnomAD v4.1: 1 of 1,612,480 alleles (0.000062%); no homozygotes.

Submissions (3):

Quest Diagnostics Nichols Institute San Juan Capistrano
Classification: Uncertain significance. Last evaluated: 2025-10-17. Review status: criteria provided, single submitter. Criteria: Quest Diagnostics criteria. Collection method: clinical testing. Allele origin: unknown.
Comment: The POLE c.1106+9G>C variant has not been reported in individuals with POLE-related conditions in the published literature. This variant has not been reported in large, multi-ethnic general populations (Genome Aggregation Database). Analysis of this variant using software algorithms for the prediction of the effect of nucleotide changes on splicing yielded predictions that this variant does not affect POLE mRNA splicing. Based on the available information, we are unable to determine the clinical significance of this variant.

Myriad Genetics, Inc.
Classification: Likely benign for Colorectal cancer, susceptibility to, 12. Last evaluated: 2025-02-10. Review status: criteria provided, single submitter. Criteria: Myriad Autosomal Dominant, Autosomal Recessive and X-Linked Classification Criteria (2023). Collection method: clinical testing. Allele origin: unknown.
Comment: This variant is considered likely benign. This variant is intronic and is not expected to impact mRNA splicing.

Labcorp Genetics (formerly Invitae), Labcorp
Classification: Likely benign. Last evaluated: 2024-10-16. Review status: criteria provided, single submitter. Criteria: Invitae Variant Classification Sherloc (09022015). Collection method: clinical testing. Allele origin: germline.